The following is an entry in ClinVar:

NM_005570.4(LMAN1):c.821C>T (p.Pro274Leu)

Gene: LMAN1 (lectin, mannose binding 1; minus strand). Cytogenetic location: 18q21.32.
Variant type: single nucleotide variant.
Coding change: c.821C>T on transcript NM_005570.4 (MANE Select); coding-DNA position 821, C replaced by T.
Protein change: p.Pro274Leu; replaces proline 274 with leucine.
Molecular consequence: missense variant.
Genome position (GRCh38, 1-based): chr18:59,347,514, G>A on the plus strand (C>T on the coding strand, the complement: LMAN1 is on the minus strand). VCF-style: chr18-59347514-G-A. GRCh37 (hg19) VCF-style: chr18-57014746-G-A.
Other names: short protein forms P274L.
Identifiers: ClinVar variation 327573 (VCV000327573.7), dbSNP rs41476148, ClinGen allele CA8979834.

ClinVar aggregate classification (germline): Likely benign. Review status: criteria provided, multiple submitters, no conflicts (2 of 4 stars). 3 submissions from 3 submitters: Likely benign (3). Last evaluated 2024-09-24.

Conditions:
Factor V and factor VIII, combined deficiency of, type 1. Also called: Combined factor V and VIII deficiency; FAMILIAL MULTIPLE COAGULATION FACTOR DEFICIENCY I; FMFD I; MULTIPLE COAGULATION FACTOR DEFICIENCY I. Identifiers: Orphanet 35909, MedGen C4551981, MONDO:0009206, OMIM 227300.

Allele frequency attached by ClinVar (database versions not stated): TOPMed 0.00273; gnomAD exomes 0.00041 and 0.00079; ExAC 0.00110; 1000 Genomes Project 0.00200; gnomAD 0.00221 and 0.00241; ESP Exome Variant Server 0.00246; 1000 Genomes Project 30x 0.00250.
gnomAD v4.1: 964 of 1,607,094 alleles (0.06%); highest among the groups gnomAD compares: African/African-American, 0.65%; 3 homozygotes.

Submissions (3):

Blueprint Genetics
Classification: Likely benign. Last evaluated: 2024-09-24. Review status: criteria provided, single submitter. Criteria: ACMG Guidelines, 2015. Collection method: clinical testing. Allele origin: germline.

Illumina Laboratory Services, Illumina
Classification: Likely benign for Factor V and factor VIII, combined deficiency of, type 1. Last evaluated: 2018-01-12. Review status: criteria provided, single submitter. Criteria: ICSL Variant Classification Criteria 13 December 2019. Collection method: clinical testing. Allele origin: germline.
Comment: This variant was observed in the ICSL laboratory as part of a predisposition screen in an ostensibly healthy population. It had not been previously curated by ICSL or reported in the Human Gene Mutation Database (HGMD: prior to June 1st, 2018), and was therefore a candidate for classification through an automated scoring system. Utilizing variant allele frequency, disease prevalence and penetrance estimates, and inheritance mode, an automated score was calculated to assess if this variant is too frequent to cause the disease. Based on the score and internal cut-off values, a variant classified as likely benign is not then subjected to further curation. The score for this variant resulted in a classification of likely benign for this disease.

Breakthrough Genomics
Classification: Likely benign. Review status: criteria provided, single submitter. Criteria: ACMG Guidelines, 2015. Collection method: not provided. Allele origin: germline. Inheritance: Autosomal recessive inheritance. Affected: yes.